The following is an entry in ClinVar:

ClinVar aggregate classification (germline): Uncertain significance (1 of 4 stars; one submission).

Conditions:
Hyperphosphatasia with impaired intellectual development syndrome 3. Also called: GLYCOSYLPHOSPHATIDYLINOSITOL BIOSYNTHESIS DEFECT 8; Hyperphosphatasia with intellectual disability syndrome 3. Identifiers: Orphanet 247262, MedGen C3280153, MONDO:0013628, OMIM 614207.

Submission:

Clinical Genomics Laboratory, Washington University in St. Louis
Classification: Uncertain significance for Hyperphosphatasia with impaired intellectual development syndrome 3. Last evaluated: 2025-01-03. Review status: criteria provided, single submitter. Criteria: ACMG Guidelines, 2015. Collection method: clinical testing. Allele origin: germline.
Comment: The PGAP2 c.86C>T (p.Ser29Phe) variant, to our knowledge, has not been reported in the medical literature and is absent from the general population (gnomAD v.2.1.1), indicating it is not a common variant. Computational predictors suggest that the variant does not impact PGAP2 function. Due to limited information, and based on ACMG/AMP guidelines for variant interpretation (Richards S et al., PMID: 25741868), the clinical significance of this variant is uncertain at this time.

NM_014489.4(PGAP2):c.117C>T (p.Leu39=)

Gene: PGAP2 (post-GPI attachment to proteins 2; plus strand). Cytogenetic location: 11p15.4.
Variant type: single nucleotide variant.
Coding change: c.117C>T on transcript NM_014489.4 (MANE Select); coding-DNA position 117, C replaced by T.
Protein change: p.Leu39=; no amino-acid change (leucine 39 retained).
Molecular consequence: synonymous variant. On other transcripts: 5 prime UTR variant (2), missense variant (2), non-coding transcript variant (5), intron variant (2).
Genome position (GRCh38, 1-based): chr11:3,811,376, C>T. VCF-style: chr11-3811376-C-T. GRCh37 (hg19) VCF-style: chr11-3832606-C-T.
Other names: c.117C>T, p.Leu39= (NM_001283038.2, NM_001346398.2, NM_001346400.2 and 9 more transcripts); c.270C>T, p.Leu90= (NM_001346397.2); c.-87C>T (NM_001346399.2, NM_001346401.2); c.152C>T, p.Ser51Phe (NM_001346402.2); c.161+3061C>T (NM_001283040.1); c.-41+3061C>T (NM_001283039.2); c.86C>T, p.Ser29Phe (NM_001256235.2); short protein forms S29F, S51F.
Identifiers: ClinVar variation 4279793 (VCV004279793.1).